The following is an entry in ClinVar:

NM_001114753.3(ENG):c.439_440insAAGC (p.Leu147fs)

Gene: ENG (endoglin; minus strand). Cytogenetic location: 9q34.11.
Variant type: Insertion.
Coding change: c.439_440insAAGC on transcript NM_001114753.3 (MANE Select); coding-DNA positions 439 to 440, AAGC inserted.
Protein change: p.Leu147fs; shifts the reading frame from leucine 147.
Molecular consequence: frameshift variant. On other transcripts: 5 prime UTR variant (1).
Genome position: GRCh38 VCF-style: chr9-127826593-A-AGCTT. GRCh37 (hg19) VCF-style: chr9-130588872-A-AGCTT.
Other names: c.438_439insCAAG, p.Leu147Glnfs (NM_000118.4, NM_001406715.1); c.-108_-107insAAGC (NM_001278138.2); short protein forms L147fs.
Identifiers: ClinVar variation 1740228 (VCV001740228.2), dbSNP rs2539077901, ClinGen allele CA2580079702.

ClinVar aggregate classification (germline): Pathogenic (1 of 4 stars; one submission).

Conditions:
Cardiovascular phenotype. Identifiers: MedGen CN230736.

Submission:

Ambry Genetics
Classification: Pathogenic for Cardiovascular phenotype. Last evaluated: 2024-03-08. Review status: criteria provided, single submitter. Criteria: Ambry Variant Classification Scheme 2023. Collection method: clinical testing. Allele origin: germline.
Comment: The c.439_440insAAGC pathogenic mutation, located in coding exon 4 of the ENG gene, results from an insertion of 4 nucleotides at position 439, causing a translational frameshift with a predicted alternate stop codon (p.L147Qfs*3). This variant is considered to be rare based on population cohorts in the Genome Aggregation Database (gnomAD). This alteration is expected to result in loss of function by premature protein truncation or nonsense-mediated mRNA decay. As such, this alteration is interpreted as a disease-causing mutation.